The following is an entry in ClinVar:

ClinVar aggregate classification (germline): Uncertain significance (1 of 4 stars; one submission).

Conditions:
Landau-Kleffner syndrome (FESD). Also called: EPILEPSY, FOCAL, WITH SPEECH DISORDER AND WITH OR WITHOUT MENTAL RETARDATION; APHASIA, ACQUIRED, WITH EPILEPSY. Identifiers: Orphanet 1945, Orphanet 725, Orphanet 98818, MedGen C0282512, MONDO:0009509, OMIM 245570.

Submission:

Labcorp Genetics (formerly Invitae), Labcorp
Classification: Uncertain significance for Landau-Kleffner syndrome. Last evaluated: 2023-12-21. Review status: criteria provided, single submitter. Criteria: Invitae Variant Classification Sherloc (09022015). Collection method: clinical testing. Allele origin: germline.
Comment: This sequence change replaces proline, which is neutral and non-polar, with arginine, which is basic and polar, at codon 64 of the GRIN2A protein (p.Pro64Arg). This variant is not present in population databases (gnomAD no frequency). This variant has not been reported in the literature in individuals affected with GRIN2A-related conditions. Advanced modeling of protein sequence and biophysical properties (such as structural, functional, and spatial information, amino acid conservation, physicochemical variation, residue mobility, and thermodynamic stability) performed at Invitae indicates that this missense variant is not expected to disrupt GRIN2A protein function with a negative predictive value of 80%. In summary, the available evidence is currently insufficient to determine the role of this variant in disease. Therefore, it has been classified as a Variant of Uncertain Significance.

NM_001134407.3(GRIN2A):c.191C>G (p.Pro64Arg)

Gene: GRIN2A (glutamate ionotropic receptor NMDA type subunit 2A; minus strand). Cytogenetic location: 16p13.2.
Variant type: single nucleotide variant.
Coding change: c.191C>G on transcript NM_001134407.3 (MANE Select); coding-DNA position 191, C replaced by G.
Protein change: p.Pro64Arg; replaces proline 64 with arginine.
Molecular consequence: missense variant.
Genome position (GRCh38, 1-based): chr16:10,180,221, G>C on the plus strand (C>G on the coding strand, the complement: GRIN2A is on the minus strand). VCF-style: chr16-10180221-G-C. GRCh37 (hg19) VCF-style: chr16-10274078-G-C.
Other names: c.191C>G, p.Pro64Arg (NM_000833.5, NM_001134408.2); short protein forms P64R.
Identifiers: ClinVar variation 2795762 (VCV002795762.3), dbSNP rs2142390004, ClinGen allele CA394715546.